The following is an entry in ClinVar:

ClinVar aggregate classification (germline): Likely benign. Review status: criteria provided, multiple submitters, no conflicts (2 of 4 stars). 3 submissions from 3 submitters: Likely benign (3). Last evaluated 2026-07-01.

Conditions:
Singleton-Merten syndrome 1 (SGMRT1). Also called: Widened medullary cavities of bone, aortic calcification, abnormal dentition, and muscular weakness; Syndrome of widened medullary cavities of the metacarpals and phalanges, aortic calcification and abnormal dentition. Identifiers: Orphanet 85191, MedGen C4225427, MONDO:0024535, OMIM 182250.
Aicardi-Goutieres syndrome 7 (AGS7). Identifiers: Orphanet 51, MedGen C3888244, MONDO:0014367, OMIM 615846.

Allele frequency attached by ClinVar (database versions not stated): TOPMed 0.00002; gnomAD 0.00005; gnomAD exomes 0.00008 and 0.00016; ExAC 0.00020.
gnomAD v4.1: 120 of 1,587,320 alleles (0.0076%); highest among the groups gnomAD compares: South Asian, 0.11%; 1 homozygote.

Submissions (3):

CeGaT Center for Human Genetics Tuebingen
Classification: Likely benign. Last evaluated: 2026-07-01. Review status: criteria provided, single submitter. Criteria: CeGaT Center For Human Genetics Tuebingen Variant Classification Criteria Version 2. Collection method: clinical testing. Allele origin: germline. Affected: yes. Observed: 1 variant allele.
Comment: IFIH1: BP4

Labcorp Genetics (formerly Invitae), Labcorp
Classification: Likely benign for Aicardi-Goutieres syndrome 7; Singleton-Merten syndrome 1. Last evaluated: 2025-08-21. Review status: criteria provided, single submitter. Criteria: Invitae Variant Classification Sherloc (09022015). Collection method: clinical testing. Allele origin: germline.

Blueprint Genetics
Classification: Likely benign. Last evaluated: 2024-04-24. Review status: criteria provided, single submitter. Criteria: ACMG Guidelines, 2015. Collection method: clinical testing. Allele origin: germline.

NM_022168.4(IFIH1):c.1096-3A>G

Gene: IFIH1 (interferon induced with helicase C domain 1; minus strand). Cytogenetic location: 2q24.2.
Variant type: single nucleotide variant.
Coding change: c.1096-3A>G on transcript NM_022168.4 (MANE Select); 3 bases into the intron before coding-DNA position 1096, A replaced by G.
Molecular consequence: intron variant.
Genome position (GRCh38, 1-based): chr2:162,282,579, T>C on the plus strand (A>G on the coding strand, the complement: IFIH1 is on the minus strand). VCF-style: chr2-162282579-T-C. GRCh37 (hg19) VCF-style: chr2-163139089-T-C.
Identifiers: ClinVar variation 1639202 (VCV001639202.10), dbSNP rs373969191, ClinGen allele CA1934611.